The following is an entry in ClinVar:

NM_024334.3(TMEM43):c.1132C>T (p.Leu378Phe)

Gene: TMEM43 (transmembrane protein 43; plus strand). Cytogenetic location: 3p25.1.
Variant type: single nucleotide variant.
Coding change: c.1132C>T on transcript NM_024334.3 (MANE Select); coding-DNA position 1132, C replaced by T.
Protein change: p.Leu378Phe; replaces leucine 378 with phenylalanine.
Molecular consequence: missense variant.
Genome position (GRCh38, 1-based): chr3:14,141,724, C>T. VCF-style: chr3-14141724-C-T. GRCh37 (hg19) VCF-style: chr3-14183224-C-T.
Other names: c.1135C>T, p.Leu379Phe (NM_001407274.1); c.1129C>T, p.Leu377Phe (NM_001407275.1, NM_001407276.1); c.1126C>T, p.Leu376Phe (NM_001407277.1); c.1117C>T, p.Leu373Phe (NM_001407278.1); c.1057C>T, p.Leu353Phe (NM_001407279.1); c.982C>T, p.Leu328Phe (NM_001407280.1); short protein forms L328F, L353F, L373F, L376F, L377F, L378F, L379F.
Identifiers: ClinVar variation 3386091 (VCV003386091.1).

ClinVar aggregate classification (germline): Uncertain significance (1 of 4 stars; one submission).

Conditions:
Arrhythmogenic right ventricular dysplasia 5. Also called: Arrhythmogenic Right Ventricular Dysplasia/Cardiomyopathy 5; ARRHYTHMOGENIC RIGHT VENTRICULAR DYSPLASIA, FAMILIAL, 5. Identifiers: MedGen C1858379, MONDO:0011459, OMIM 604400.

Submission:

All of Us Research Program, National Institutes of Health
Classification: Uncertain significance for Arrhythmogenic right ventricular dysplasia 5. Last evaluated: 2024-07-10. Review status: criteria provided, single submitter. Criteria: ACMG Guidelines, 2015. Collection method: clinical testing. Allele origin: germline. Inheritance: Autosomal dominant inheritance. Observed: 1 variant allele, 1 heterozygote.
Comment: This missense variant replaces leucine with phenylalanine at codon 378 of the TMEM43 protein. Computational prediction suggests that this variant may not impact protein structure and function (internally defined REVEL score threshold <= 0.5, PMID: 27666373). To our knowledge, functional studies have not been reported for this variant. This variant has not been reported in individuals affected with TMEM43-related disorders in the literature. This variant has not been identified in the general population by the Genome Aggregation Database (gnomAD). The available evidence is insufficient to determine the role of this variant in disease conclusively. Therefore, this variant is classified as a Variant of Uncertain Significance.

This study involves interpretation of variants in research participants for the purpose of population health screening. Participant phenotype was not available at the time of variant classification. Additional details can be found in publication PMID: 35346344, PMCID: PMC8962531